The following is an entry in ClinVar:

ClinVar aggregate classification (germline): Uncertain significance (1 of 4 stars; one submission).

Submission:

CeGaT Center for Human Genetics Tuebingen
Classification: Uncertain significance. Last evaluated: 2024-04-01. Review status: criteria provided, single submitter. Criteria: CeGaT Center For Human Genetics Tuebingen Variant Classification Criteria Version 2. Collection method: clinical testing. Allele origin: germline. Affected: yes. Observed: 1 variant allele.
Comment: TDRD7: PM2

NM_014290.3(TDRD7):c.2093A>T (p.Glu698Val)

Gene: TDRD7 (tudor domain containing 7; plus strand). Cytogenetic location: 9q22.33.
Variant type: single nucleotide variant.
Coding change: c.2093A>T on transcript NM_014290.3 (MANE Select); coding-DNA position 2093, A replaced by T.
Protein change: p.Glu698Val; replaces glutamic acid 698 with valine.
Molecular consequence: missense variant.
Genome position (GRCh38, 1-based): chr9:97,475,396, A>T. VCF-style: chr9-97475396-A-T. GRCh37 (hg19) VCF-style: chr9-100237678-A-T.
Other names: c.1871A>T, p.Glu624Val (NM_001302884.2); short protein forms E624V, E698V.
Identifiers: ClinVar variation 3234642 (VCV003234642.20), dbSNP rs2490700064, ClinGen allele CA374173997.